The following is an entry in ClinVar:

NM_001330260.2(SCN8A):c.1014G>T (p.Gln338His)

Gene: SCN8A (sodium voltage-gated channel alpha subunit 8; plus strand). Cytogenetic location: 12q13.13.
Variant type: single nucleotide variant.
Coding change: c.1014G>T on transcript NM_001330260.2 (MANE Select); coding-DNA position 1014, G replaced by T.
Protein change: p.Gln338His; replaces glutamine 338 with histidine.
Molecular consequence: missense variant.
Genome position (GRCh38, 1-based): chr12:51,702,794, G>T. VCF-style: chr12-51702794-G-T. GRCh37 (hg19) VCF-style: chr12-52096578-G-T.
Other names: c.1014G>T, p.Gln338His (NM_001177984.3, NM_001369788.1, NM_014191.4); c.1014G>T (NM_014191.3, NM_014191.2); short protein forms Q338H.
Identifiers: ClinVar variation 2882342 (VCV002882342.5), dbSNP rs746131591, ClinGen allele CA385227076.

ClinVar aggregate classification (germline): Uncertain significance. Review status: criteria provided, multiple submitters, no conflicts (2 of 4 stars). 3 submissions from 3 submitters: Uncertain significance (3). Last evaluated 2025-11-26.

Conditions:
Early-infantile DEE. Also called: Ohtahara syndrome; Early infantile epileptic encephalopathy; Early infantile epileptic encephalopathy with suppression bursts. Identifiers: Orphanet 1934, MedGen C0393706, MONDO:0800491.
Inborn genetic diseases. Identifiers: MedGen C0950123, MeSH D030342.

Submissions (3):

Ambry Genetics
Classification: Uncertain significance for Inborn genetic diseases. Last evaluated: 2025-11-26. Review status: criteria provided, single submitter. Criteria: Ambry Variant Classification Scheme 2023. Collection method: clinical testing. Allele origin: germline.

GeneDx
Classification: Uncertain significance. Last evaluated: 2025-05-07. Review status: criteria provided, single submitter. Criteria: GeneDx Variant Classification Process June 2021. Collection method: clinical testing. Allele origin: germline. Affected: yes.
Comment: Not observed at significant frequency in large population cohorts (gnomAD); In silico analysis suggests that this missense variant does not alter protein structure/function; Has not been previously published as pathogenic or benign to our knowledge; This substitution is predicted to be within the extracellular loop between the S5 and S6 transmembrane segments of the first homologous domain

Labcorp Genetics (formerly Invitae), Labcorp
Classification: Uncertain significance for Early-infantile DEE. Last evaluated: 2023-09-10. Review status: criteria provided, single submitter. Criteria: Invitae Variant Classification Sherloc (09022015). Collection method: clinical testing. Allele origin: germline.
Comment: In summary, the available evidence is currently insufficient to determine the role of this variant in disease. Therefore, it has been classified as a Variant of Uncertain Significance. Advanced modeling of protein sequence and biophysical properties (such as structural, functional, and spatial information, amino acid conservation, physicochemical variation, residue mobility, and thermodynamic stability) performed at Invitae indicates that this missense variant is not expected to disrupt SCN8A protein function. This variant has not been reported in the literature in individuals affected with SCN8A-related conditions. This variant is not present in population databases (gnomAD no frequency). This sequence change replaces glutamine, which is neutral and polar, with histidine, which is basic and polar, at codon 338 of the SCN8A protein (p.Gln338His).